The following is an entry in ClinVar:

NM_017636.4(TRPM4):c.318C>A (p.Val106=)

Gene: TRPM4 (transient receptor potential cation channel subfamily M member 4; plus strand). Cytogenetic location: 19q13.33.
Variant type: single nucleotide variant.
Coding change: c.318C>A on transcript NM_017636.4 (MANE Select); coding-DNA position 318, C replaced by A.
Protein change: p.Val106=; no amino-acid change (valine 106 retained).
Molecular consequence: synonymous variant. On other transcripts: intron variant (4).
Genome position (GRCh38, 1-based): chr19:49,167,967, C>A. VCF-style: chr19-49167967-C-A. GRCh37 (hg19) VCF-style: chr19-49671224-C-A.
Other names: NC_000019.9:g.49671224C>A; c.318C>A, p.Val106= (NM_001195227.2); c.-1105-293C>A (NM_001321282.2); c.268-586C>A (NM_001321281.2); c.-74-293C>A (NM_001321283.2); c.-237-586C>A (NM_001321285.2).
Identifiers: ClinVar variation 3183347 (VCV003183347.3), dbSNP rs769684226, ClinGen allele CA9568781.

ClinVar aggregate classification (germline): Conflicting classifications of pathogenicity. Review status: criteria provided, conflicting classifications (1 of 4 stars). 2 submissions from 2 submitters: Uncertain significance (1); Likely benign (1). Last evaluated 2026-01-12.

Conditions:
Cardiovascular phenotype. Identifiers: MedGen CN230736.
Progressive familial heart block type IB (PFHB1B). Identifiers: Orphanet 871, MedGen C1970298, MONDO:0011474, OMIM 604559.

gnomAD v4.1: 4 of 1,613,988 alleles (0.00025%); highest among the groups gnomAD compares: African/African-American, 0.0053%; no homozygotes.

Submissions (3):

Labcorp Genetics (formerly Invitae), Labcorp
Classification: Likely benign for Progressive familial heart block type IB. Last evaluated: 2026-01-12. Review status: criteria provided, single submitter. Criteria: Invitae Variant Classification Sherloc (09022015). Collection method: clinical testing. Allele origin: germline.

Ambry Genetics
Classification: Uncertain significance for Cardiovascular phenotype. Last evaluated: 2021-08-27. Review status: criteria provided, single submitter. Criteria: Ambry Variant Classification Scheme 2023. Collection method: clinical testing. Allele origin: germline.
Comment: The c.318C>A (p.V106V) alteration is located in exon 4 (coding exon 4) of the TRPM4 gene. This alteration consists of a C to A substitution at nucleotide position 318. This nucleotide substitution does not change the amino acid at codon 106. However, this change occurs in the last nucleotide of Exon 4 (c.268_448) which makes it likely to have some effect on normal mRNA splicing. Based on insufficient or conflicting evidence, the clinical significance of this alteration remains unclear.

Dr. Peter K. Rogan Lab, Western University
No classification provided (evidence only). Condition: Malignant tumor of urinary bladder. Review status: no classification provided. Collection method: in vitro. Allele origin: not applicable. Functional consequence: skipped exon. Not counted in ClinVar's aggregate classification.